The following is an entry in ClinVar:

NM_012330.4(KAT6B):c.1836T>A (p.Ser612Arg)

Gene: KAT6B (lysine acetyltransferase 6B; plus strand). Cytogenetic location: 10q22.2.
Variant type: single nucleotide variant.
Coding change: c.1836T>A on transcript NM_012330.4 (MANE Select); coding-DNA position 1836, T replaced by A.
Protein change: p.Ser612Arg; replaces serine 612 with arginine.
Molecular consequence: missense variant. On other transcripts: intron variant (13).
Genome position (GRCh38, 1-based): chr10:74,976,173, T>A. VCF-style: chr10-74976173-T-A. GRCh37 (hg19) VCF-style: chr10-76735931-T-A.
Other names: c.1836T>A, p.Ser612Arg (NM_001370136.1, NM_001370137.1); c.1117+719T>A (NM_001370139.1, NM_001370140.1, NM_001370141.1 and 3 more transcripts); c.1444+392T>A (NM_001370138.1, NM_001256468.2); c.846+6398T>A (NM_001370133.1); c.193-3051T>A (NM_001370134.1); c.929-1143T>A (NM_001370143.1, NM_001370144.1); c.193-12846T>A (NM_001370135.1); short protein forms S612R.
Identifiers: ClinVar variation 4991369 (VCV004991369.1).

ClinVar aggregate classification (germline): Uncertain significance (1 of 4 stars; one submission).

Conditions:
KAT6B-related disorder. Also called: KAT6B-related disorders; KAT6B-related condition.

Submission:

PreventionGenetics, part of Exact Sciences
Classification: Uncertain significance for KAT6B-related condition. Last evaluated: 2025-10-31. Review status: criteria provided, single submitter. Criteria: ACMG Guidelines, 2015. Collection method: clinical testing. Allele origin: germline.
Comment: The KAT6B c.1836T>A variant is predicted to result in the amino acid substitution p.Ser612Arg. To our knowledge, this variant has not been reported in the literature or in a large population database (gnomAD), indicating this variant is rare. At this time, the clinical significance of this variant is uncertain due to the absence of conclusive functional and genetic evidence.